The following is an entry in ClinVar:

NM_006996.3(SLC19A2):c.205G>T (p.Val69Phe)

Gene: SLC19A2 (solute carrier family 19 member 2; minus strand). Cytogenetic location: 1q24.2.
Variant type: single nucleotide variant.
Coding change: c.205G>T on transcript NM_006996.3 (MANE Select); coding-DNA position 205, G replaced by T.
Protein change: p.Val69Phe; replaces valine 69 with phenylalanine.
Molecular consequence: missense variant. On other transcripts: intron variant (1).
Genome position (GRCh38, 1-based): chr1:169,477,757, C>A on the plus strand (G>T on the coding strand, the complement: SLC19A2 is on the minus strand). VCF-style: chr1-169477757-C-A. GRCh37 (hg19) VCF-style: chr1-169446995-C-A.
Other names: c.205-7571G>T (NM_001319667.1); short protein forms V69F.
Identifiers: ClinVar variation 3911778 (VCV003911778.2).

ClinVar aggregate classification (germline): Likely pathogenic. Review status: criteria provided, multiple submitters, no conflicts (2 of 4 stars). 2 submissions from 2 submitters: Likely pathogenic (2). Last evaluated 2025-03-31.

gnomAD v4.1: 6 of 1,606,744 alleles (0.00037%); highest among the groups gnomAD compares: Non-Finnish European, 0.00051%; no homozygotes.

Submissions (2):

Labcorp Genetics (formerly Invitae), Labcorp
Classification: Likely pathogenic. Last evaluated: 2025-03-31. Review status: criteria provided, single submitter. Criteria: Invitae Variant Classification Sherloc (09022015). Collection method: clinical testing. Allele origin: germline.
Comment: This sequence change replaces valine, which is neutral and non-polar, with phenylalanine, which is neutral and non-polar, at codon 69 of the SLC19A2 protein (p.Val69Phe). The frequency data for this variant in the population databases is considered unreliable, as metrics indicate poor data quality at this position in the gnomAD database. This missense change has been observed in individual(s) with thiamine-responsive megaloblastic anemia syndrome (PMID: 25707023). Invitae Evidence Modeling of protein sequence and biophysical properties (such as structural, functional, and spatial information, amino acid conservation, physicochemical variation, residue mobility, and thermodynamic stability) indicates that this missense variant is expected to disrupt SLC19A2 protein function with a positive predictive value of 95%. Algorithms developed to predict the effect of sequence changes on RNA splicing suggest that this variant may disrupt the consensus splice site. In summary, the currently available evidence indicates that the variant is pathogenic, but additional data are needed to prove that conclusively. Therefore, this variant has been classified as Likely Pathogenic.

Laboratory of Genetics, Children's Clinical University Hospital Latvia
Classification: Likely pathogenic. Last evaluated: 2025-02-16. Review status: criteria provided, single submitter. Criteria: ACMG Guidelines, 2015. Collection method: clinical testing. Allele origin: germline. Affected: yes.

Literature cited by the submitters: PubMed 25707023 (cited by Labcorp Genetics (formerly Invitae), Labcorp).